The following is an entry in ClinVar:

ClinVar aggregate classification (germline): Likely benign (1 of 4 stars; one submission).

Conditions:
TTC8-related disorder. Also called: TTC8-related condition.

gnomAD v4.1: 5 of 1,557,938 alleles (0.00032%); highest among the groups gnomAD compares: Admixed American, 0.0092%; no homozygotes.

Submission:

PreventionGenetics, part of Exact Sciences
Classification: Likely benign for TTC8-related condition. Last evaluated: 2025-11-07. Review status: criteria provided, single submitter. Criteria: ACMG Guidelines, 2015. Collection method: clinical testing. Allele origin: germline.
Comment: This variant is classified as likely benign based on ACMG/AMP sequence variant interpretation guidelines (Richards et al. 2015 PMID: 25741868, with internal and published modifications).

NM_144596.4(TTC8):c.-30G>C

Gene: TTC8 (tetratricopeptide repeat domain 8; plus strand). Cytogenetic location: 14q31.3.
Variant type: single nucleotide variant.
Coding change: c.-30G>C on transcript NM_144596.4 (MANE Select); 30 bases upstream of the start codon, G replaced by C.
Molecular consequence: 5 prime UTR variant. On other transcripts: non-coding transcript variant (1).
Genome position (GRCh38, 1-based): chr14:88,824,678, G>C. VCF-style: chr14-88824678-G-C. GRCh37 (hg19) VCF-style: chr14-89291022-G-C.
Other names: c.-30G>C (NM_001288781.1, NM_001366535.2, NM_001366536.2 and 2 more transcripts); c.-592G>C (NM_001288782.1); c.-687G>C (NM_001288783.1).
Identifiers: ClinVar variation 4990226 (VCV004990226.1).